The following is an entry in ClinVar:

ClinVar aggregate classification (germline): Pathogenic (1 of 4 stars; one submission).

Conditions:
USH2A-related disorder. Also called: USH2A-related condition; USH2A-related disorders. Identifiers: MedGen CN239332.

Submission:

Myriad Genetics, Inc.
Classification: Pathogenic for USH2A-related disorder. Last evaluated: 2026-05-06. Review status: criteria provided, single submitter. Criteria: Myriad Autosomal Dominant, Autosomal Recessive and X-Linked Classification Criteria (2023). Collection method: clinical testing. Allele origin: unknown.
Comment: NM_206933.2(USH2A):c.14586T>A(Y4862*) is expected to be pathogenic in the context of USH2A-related disorders. This variant is predicted to lead to an abnormal or absent protein product due to the creation of a premature termination codon in USH2A, a gene where loss-of-function variants are known to be pathogenic. Please note: this variant was assessed in the context of healthy population screening.

NM_206933.4(USH2A):c.14586T>A (p.Tyr4862Ter)

Gene: USH2A (usherin; minus strand). Cytogenetic location: 1q41.
Variant type: single nucleotide variant.
Coding change: c.14586T>A on transcript NM_206933.4 (MANE Select); coding-DNA position 14586, T replaced by A.
Protein change: p.Tyr4862Ter; replaces tyrosine 4862 with a stop codon.
Molecular consequence: nonsense.
Genome position (GRCh38, 1-based): chr1:215,647,727, A>T on the plus strand (T>A on the coding strand, the complement: USH2A is on the minus strand). VCF-style: chr1-215647727-A-T. GRCh37 (hg19) VCF-style: chr1-215821069-A-T.
Other names: short protein forms Y4862*.
Identifiers: ClinVar variation 5015883 (VCV005015883.1).